The following is an entry in ClinVar:

ClinVar aggregate classification (germline): Uncertain significance (1 of 4 stars; one submission).

Submission:

Ambry Genetics
Classification: Uncertain significance. Last evaluated: 2024-01-11. Review status: criteria provided, single submitter. Criteria: Ambry Variant Classification Scheme 2023. Collection method: clinical testing. Allele origin: germline.
Comment: The p.F969C variant (also known as c.2906T>G), located in coding exon 16 of the POLQ gene, results from a T to G substitution at nucleotide position 2906. The phenylalanine at codon 969 is replaced by cysteine, an amino acid with highly dissimilar properties. This amino acid position is conserved. In addition, this alteration is predicted to be tolerated by in silico analysis. Since supporting evidence is limited at this time, the clinical significance of this alteration remains unclear.

NM_199420.4(POLQ):c.2906T>G (p.Phe969Cys)

Gene: POLQ (DNA polymerase theta; minus strand). Cytogenetic location: 3q13.33.
Variant type: single nucleotide variant.
Coding change: c.2906T>G on transcript NM_199420.4 (MANE Select); coding-DNA position 2906, T replaced by G.
Protein change: p.Phe969Cys; replaces phenylalanine 969 with cysteine.
Molecular consequence: missense variant.
Genome position (GRCh38, 1-based): chr3:121,490,025, A>C on the plus strand (T>G on the coding strand, the complement: POLQ is on the minus strand). VCF-style: chr3-121490025-A-C. GRCh37 (hg19) VCF-style: chr3-121208872-A-C.
Other names: short protein forms F969C.
Identifiers: ClinVar variation 3229902 (VCV003229902.1), dbSNP rs2546788042, ClinGen allele CA354103997.